The following is an entry in ClinVar:

NM_002299.4(LCT):c.5761T>G (p.Leu1921Val)

Gene: LCT (lactase; minus strand). Cytogenetic location: 2q21.3.
Variant type: single nucleotide variant.
Coding change: c.5761T>G on transcript NM_002299.4 (MANE Select); coding-DNA position 5761, T replaced by G.
Protein change: p.Leu1921Val; replaces leucine 1921 with valine.
Molecular consequence: missense variant.
Genome position (GRCh38, 1-based): chr2:135,788,347, A>C on the plus strand (T>G on the coding strand, the complement: LCT is on the minus strand). VCF-style: chr2-135788347-A-C. GRCh37 (hg19) VCF-style: chr2-136545917-A-C.
Other names: short protein forms L1921V.
Identifiers: ClinVar variation 1353227 (VCV001353227.6), dbSNP rs2077508407, ClinGen allele CA348583766.

ClinVar aggregate classification (germline): Uncertain significance (1 of 4 stars; one submission).

Submission:

Labcorp Genetics (formerly Invitae), Labcorp
Classification: Uncertain significance. Last evaluated: 2022-12-06. Review status: criteria provided, single submitter. Criteria: Invitae Variant Classification Sherloc (09022015). Collection method: clinical testing. Allele origin: germline.
Comment: Algorithms developed to predict the effect of missense changes on protein structure and function are either unavailable or do not agree on the potential impact of this missense change (SIFT: "Not Available"; PolyPhen-2: "Benign"; Align-GVGD: "Not Available"). ClinVar contains an entry for this variant (Variation ID: 1353227). This variant has not been reported in the literature in individuals affected with LCT-related conditions. This variant is not present in population databases (gnomAD no frequency). This sequence change replaces leucine, which is neutral and non-polar, with valine, which is neutral and non-polar, at codon 1921 of the LCT protein (p.Leu1921Val). In summary, the available evidence is currently insufficient to determine the role of this variant in disease. Therefore, it has been classified as a Variant of Uncertain Significance.